The following is an entry in ClinVar:

ClinVar aggregate classification (germline): Likely benign. Review status: criteria provided, single submitter (1 of 4 stars). 2 submissions from 2 submitters: Likely benign (1). 1 of the submissions does not count toward it. Last evaluated 2024-01-10.

Conditions:
COQ8B-related disorder. Also called: COQ8B-related condition.

Allele frequency attached by ClinVar (database versions not stated): TOPMed 0.00012.
gnomAD v4.1: 337 of 1,612,700 alleles (0.021%); highest among the groups gnomAD compares: Non-Finnish European, 0.027%; no homozygotes.

Submissions (2):

Labcorp Genetics (formerly Invitae), Labcorp
Classification: Likely benign. Last evaluated: 2024-01-10. Review status: criteria provided, single submitter. Criteria: Invitae Variant Classification Sherloc (09022015). Collection method: clinical testing. Allele origin: germline.

PreventionGenetics, part of Exact Sciences
Classification: Likely benign for COQ8B-related condition. Last evaluated: 2019-10-28. Review status: no assertion criteria provided. Collection method: clinical testing. Allele origin: germline. Not counted in ClinVar's aggregate classification.
Comment: This variant is classified as likely benign based on ACMG/AMP sequence variant interpretation guidelines (Richards et al. 2015 PMID: 25741868, with internal and published modifications).

NM_024876.4(COQ8B):c.1210-10G>C

Gene: COQ8B (coenzyme Q8B; minus strand). Cytogenetic location: 19q13.2.
Variant type: single nucleotide variant.
Coding change: c.1210-10G>C on transcript NM_024876.4 (MANE Select); 10 bases into the intron before coding-DNA position 1210, G replaced by C.
Molecular consequence: intron variant.
Genome position (GRCh38, 1-based): chr19:40,693,047, C>G on the plus strand (G>C on the coding strand, the complement: COQ8B is on the minus strand). VCF-style: chr19-40693047-C-G. GRCh37 (hg19) VCF-style: chr19-41198952-C-G.
Other names: c.1087-10G>C (NM_001142555.3).
Identifiers: ClinVar variation 748096 (VCV000748096.10), dbSNP rs77801349, ClinGen allele CA9450092.
Genomic context (GRCh38, chr19:40,693,047, plus strand): 5'-GGACTTCTGCAGGACACAGTCTCTGTCTCCATCAGCTGCAGCCTTCACCACCTGGGGAGA[C>G]GGGTGGGAGTTAGAGGGACAAAGGCCGGGGCTCAAGGGGGCTCTGGAGAAGAGGAGCTGG-3'